The following is an entry in ClinVar:

ClinVar aggregate classification (germline): Uncertain significance. Review status: criteria provided, multiple submitters, no conflicts (2 of 4 stars). 4 submissions from 4 submitters: Uncertain significance (4). Last evaluated 2025-10-06.

Conditions:
Nephronophthisis. Also called: Juvenile Nephronophthisis. Identifiers: Orphanet 655, MedGen C0687120, MONDO:0019005, HP:0000090.
Inborn genetic diseases. Identifiers: MedGen C0950123, MeSH D030342.
Infantile nephronophthisis (NPHP2). Also called: Nephronophthisis 2; Nephronophthisis 2, infantile. Identifiers: Orphanet 655, Orphanet 93591, MedGen C1865872, MONDO:0011190, OMIM 602088.

Allele frequency attached by ClinVar (database versions not stated): gnomAD exomes below 0.00001 and 0.00002; ExAC 0.00001; TOPMed 0.00001; gnomAD 0.00001.
gnomAD v4.1: 27 of 1,614,060 alleles (0.0017%); highest among the groups gnomAD compares: African/African-American, 0.0027%; no homozygotes.

Submissions (4):

Ambry Genetics
Classification: Uncertain significance for Inborn genetic diseases. Last evaluated: 2025-10-06. Review status: criteria provided, single submitter. Criteria: Ambry Variant Classification Scheme 2023. Collection method: clinical testing. Allele origin: germline.

Fulgent Genetics
Classification: Uncertain significance for Infantile nephronophthisis. Last evaluated: 2024-03-20. Review status: criteria provided, single submitter. Criteria: ACMG Guidelines, 2015. Collection method: clinical testing. Allele origin: germline.

Labcorp Genetics (formerly Invitae), Labcorp
Classification: Uncertain significance for Nephronophthisis. Last evaluated: 2021-08-30. Review status: criteria provided, single submitter. Criteria: Invitae Variant Classification Sherloc (09022015). Collection method: clinical testing. Allele origin: germline.
Comment: This sequence change replaces arginine with cysteine at codon 794 of the INVS protein (p.Arg794Cys). The arginine residue is moderately conserved and there is a large physicochemical difference between arginine and cysteine. This variant is present in population databases (rs556807161, ExAC 0.002%). This variant has not been reported in the literature in individuals affected with INVS-related conditions. Algorithms developed to predict the effect of missense changes on protein structure and function output the following: SIFT: "Deleterious"; PolyPhen-2: "Benign"; Align-GVGD: "Class C0". The cysteine amino acid residue is found in multiple mammalian species, which suggests that this missense change does not adversely affect protein function. Algorithms developed to predict the effect of sequence changes on RNA splicing suggest that this variant may create or strengthen a splice site. In summary, the available evidence is currently insufficient to determine the role of this variant in disease. Therefore, it has been classified as a Variant of Uncertain Significance.

Center for Genomics, Ann and Robert H. Lurie Children's Hospital of Chicago
Classification: Uncertain significance for Infantile nephronophthisis. Last evaluated: 2021-03-30. Review status: criteria provided, single submitter. Criteria: ACMG Guidelines, 2015. Collection method: clinical testing. Allele origin: germline.
Comment: INVS NM_014425.4 exon 14 p.Arg794Cys (c.2380C>T): This variant has not been reported in the literature but is present in 1/109414 European alleles in the Genome Aggregation Database. Evolutionary conservation and computational predictive tools for this variant are unclear. In summary, data on this variant is insufficient for disease classification. Therefore, the clinical significance of this variant is uncertain.

NM_014425.5(INVS):c.2380C>T (p.Arg794Cys)

Gene: INVS (inversin; plus strand). Cytogenetic location: 9q31.1.
Variant type: single nucleotide variant.
Coding change: c.2380C>T on transcript NM_014425.5 (MANE Select); coding-DNA position 2380, C replaced by T.
Protein change: p.Arg794Cys; replaces arginine 794 with cysteine.
Molecular consequence: missense variant. On other transcripts: non-coding transcript variant (1).
Genome position (GRCh38, 1-based): chr9:100,292,637, C>T. VCF-style: chr9-100292637-C-T. GRCh37 (hg19) VCF-style: chr9-103054919-C-T.
Other names: c.2092C>T, p.Arg698Cys (NM_001318381.2); c.1402C>T, p.Arg468Cys (NM_001318382.2); c.2380C>T (NM_014425.2); short protein forms R794C, R698C, R468C.
Identifiers: ClinVar variation 531630 (VCV000531630.8), dbSNP rs556807161, ClinGen allele CA5158614.